The following is an entry in ClinVar:

ClinVar aggregate classification (germline): Uncertain significance. Review status: criteria provided, multiple submitters, no conflicts (2 of 4 stars). 2 submissions from 2 submitters: Uncertain significance (2). Last evaluated 2025-12-08.

Conditions:
Hereditary cancer-predisposing syndrome. Also called: Hereditary neoplastic syndrome; Tumor predisposition; Neoplastic Syndromes, Hereditary; Hereditary Cancer Syndrome. Identifiers: Orphanet 140162, MedGen C0027672, MeSH D009386, MONDO:0015356.
Tuberous sclerosis 1 (TSC1). Identifiers: Orphanet 805, MedGen C1854465, MONDO:0008612, OMIM 191100.

Submissions (2):

Ambry Genetics
Classification: Uncertain significance for Hereditary cancer-predisposing syndrome. Last evaluated: 2025-12-08. Review status: criteria provided, single submitter. Criteria: Ambry Variant Classification Scheme 2023. Collection method: clinical testing. Allele origin: germline.
Comment: The p.L107V variant (also known as c.319C>G), located in coding exon 3 of the TSC1 gene, results from a C to G substitution at nucleotide position 319. The leucine at codon 107 is replaced by valine, an amino acid with highly similar properties. This amino acid position is well conserved in available vertebrate species. In addition, the in silico prediction for this alteration is inconclusive. Based on the available evidence, the clinical significance of this variant remains unclear.

Labcorp Genetics (formerly Invitae), Labcorp
Classification: Uncertain significance for Tuberous sclerosis 1. Last evaluated: 2024-02-27. Review status: criteria provided, single submitter. Criteria: Invitae Variant Classification Sherloc (09022015). Collection method: clinical testing. Allele origin: germline.
Comment: This sequence change replaces leucine, which is neutral and non-polar, with valine, which is neutral and non-polar, at codon 107 of the TSC1 protein (p.Leu107Val). This variant is not present in population databases (gnomAD no frequency). This variant has not been reported in the literature in individuals affected with TSC1-related conditions. ClinVar contains an entry for this variant (Variation ID: 2447874). Advanced modeling of protein sequence and biophysical properties (such as structural, functional, and spatial information, amino acid conservation, physicochemical variation, residue mobility, and thermodynamic stability) performed at Invitae indicates that this missense variant is not expected to disrupt TSC1 protein function with a negative predictive value of 95%. In summary, the available evidence is currently insufficient to determine the role of this variant in disease. Therefore, it has been classified as a Variant of Uncertain Significance.

NM_000368.5(TSC1):c.319C>G (p.Leu107Val)

Gene: TSC1 (TSC complex subunit 1; minus strand). Cytogenetic location: 9q34.13.
Variant type: single nucleotide variant.
Coding change: c.319C>G on transcript NM_000368.5 (MANE Select); coding-DNA position 319, C replaced by G.
Protein change: p.Leu107Val; replaces leucine 107 with valine.
Molecular consequence: missense variant. On other transcripts: 5 prime UTR variant (18), non-coding transcript variant (5), intron variant (5).
Genome position (GRCh38, 1-based): chr9:132,925,631, G>C on the plus strand (C>G on the coding strand, the complement: TSC1 is on the minus strand). VCF-style: chr9-132925631-G-C. GRCh37 (hg19) VCF-style: chr9-135801018-G-C.
Other names: c.319C>G, p.Leu107Val (NM_001162426.2, NM_001406592.1, NM_001406593.1 and 16 more transcripts); c.-45C>G (NM_001362177.2, NM_001406617.1, NM_001406618.1 and 5 more transcripts); c.-137C>G (NM_001406614.1, NM_001406616.1, NM_001406624.1); c.-170C>G (NM_001406615.1, NM_001406623.1); c.-559C>G (NM_001406626.1, NM_001406627.1, NM_001406628.1); c.-701C>G (NM_001406629.1); c.-775C>G (NM_001406630.1); c.210+1570C>G (NM_001406613.1, NM_001406612.1, NM_001406610.1 and 2 more transcripts); short protein forms L107V.
Identifiers: ClinVar variation 2447874 (VCV002447874.5), dbSNP rs2539072810, ClinGen allele CA375374450.